The following is an entry in ClinVar:

NM_007294.4(BRCA1):c.5232A>C (p.Arg1744Ser)

Gene: BRCA1 (BRCA1 DNA repair associated; minus strand). Cytogenetic location: 17q21.31.
Variant type: single nucleotide variant.
Coding change: c.5232A>C on transcript NM_007294.4 (MANE Select); coding-DNA position 5232, A replaced by C.
Protein change: p.Arg1744Ser; replaces arginine 1744 with serine.
Molecular consequence: missense variant. On other transcripts: non-coding transcript variant (1).
Genome position (GRCh38, 1-based): chr17:43,057,097, T>G on the plus strand (A>C on the coding strand, the complement: BRCA1 is on the minus strand). VCF-style: chr17-43057097-T-G. GRCh37 (hg19) VCF-style: chr17-41209114-T-G.
Other names: c.4896A>C, p.Arg1632Ser (NM_001407954.1, NM_001407955.1, NM_001407950.1 and 3 more transcripts); c.4893A>C, p.Arg1631Ser (NM_001407956.1, NM_001407957.1, NM_001407958.1); c.4851A>C, p.Arg1617Ser (NM_001407959.1); c.4848A>C, p.Arg1616Ser (NM_001407960.1, NM_001407962.1); c.4845A>C, p.Arg1615Ser (NM_001407963.1); c.4770A>C, p.Arg1590Ser (NM_001407964.1); c.5022A>C, p.Arg1674Ser (NM_001407885.1, NM_001407886.1, NM_001407887.1 and 5 more transcripts); c.5019A>C, p.Arg1673Ser (NM_001407894.1, NM_001407895.1, NM_001407896.1 and 12 more transcripts); and 72 more; short protein forms R1744S, R1765S, R640S, R1697S, R1615S, R1633S, R1654S, R1674S.
Identifiers: ClinVar variation 867872 (VCV000867872.3), dbSNP rs2051514714, ClinGen allele CA10591079.

Conditions:
Breast-ovarian cancer, familial, susceptibility to, 1 (BROVCA1). Also called: BRCA1 Hereditary Breast and Ovarian Cancer; OVARIAN CANCER, SUSCEPTIBILITY TO. Identifiers: Orphanet 145, MedGen C2676676, MONDO:0011450, OMIM 604370. Disease mechanism: loss of function.

Submission:

Brotman Baty Institute, University of Washington
No classification provided (evidence only). Condition: Breast-ovarian cancer, familial 1. Review status: no classification provided. Collection method: in vitro. Allele origin: not applicable. Functional consequence: functionally_normal.
ClinVar note: "not provided" was previously submitted as the classification for the variant. However, the classification appeared to be based only on an observation of functional data so it was converted to no classification on 2025-07-30.